The following is an entry in ClinVar:

ClinVar aggregate classification (germline): Uncertain significance (1 of 4 stars; one submission).

Submission:

Women's Health and Genetics/Laboratory Corporation of America, LabCorp
Classification: Uncertain significance. Last evaluated: 2023-01-09. Review status: criteria provided, single submitter. Criteria: LabCorp Variant Classification Summary - May 2015. Collection method: clinical testing. Allele origin: germline.
Comment: Variant summary: XIAP c.616_622delinsC (p.Lys206_Lys208delinsGln) results in an in-frame deletion-insertion that is predicted to delete 3 amino acids (KLK) and replace it with a single amino acid (Q). The variant is located within the 2nd BIR repeat (amino acids 161-232; IPR001370), a protein motif that is required for the anti-apoptotic activity of IAP proteins (InterPro). The variant was absent in 183445 control chromosomes (gnomAD). The available data on variant occurrences in the general population are insufficient to allow any conclusion about variant significance. To our knowledge, no occurrence of c.616_622delinsC in individuals affected with X-Linked Lymphoproliferative Disease and no experimental evidence demonstrating its impact on protein function have been reported. An overlapping missense change (p.L207P) is reported in an individual affected with Lymphoproliferative syndrome, and was demonstrated to result in abnormal XIAP protein function (PMID 23818254), however these data do not allow clear conclusions about the effect of the variant of interest. No clinical diagnostic laboratories have submitted clinical-significance assessments for this variant to ClinVar after 2014. Based on the evidence outlined above, the variant was classified as uncertain significance.

NM_001167.4(XIAP):c.616_622delinsC (p.Lys206_Lys208delinsGln)

Gene: XIAP (X-linked inhibitor of apoptosis; plus strand). Cytogenetic location: Xq25.
Variant type: Indel.
Coding change: c.616_622delinsC on transcript NM_001167.4 (MANE Select); coding-DNA positions 616 to 622, AAACTGA replaced by C.
Protein change: p.Lys206_Lys208delinsGln.
Molecular consequence: inframe indel.
Genome position (GRCh38, 1-based): chrX:123,886,278-123,886,284, AAACTGA replaced by C. VCF-style: chrX-123886278-AAACTGA-C. GRCh37 (hg19) VCF-style: chrX-123020128-AAACTGA-C.
Other names: c.616_622delAAACTGAinsC, p.Lys206_Lys208delinsGln (NM_001167.3); c.616_622delinsC, p.Lys206_Lys208delinsGln (NM_001204401.2, NM_001378590.1, NM_001378591.1 and 1 more transcripts).
Identifiers: ClinVar variation 2429178 (VCV002429178.3), dbSNP rs2522585864, ClinGen allele CA2580100294.
Genomic context (GRCh38, chrX:123,886,278, plus strand): 5'-AGTGCTGGACTCTACTACACAGGTATTGGTGACCAAGTGCAGTGCTTTTGTTGTGGTGGA[AAACTGA>C]AAAATTGGGAACCTTGTGATCGTGCCTGGTCAGAACACAGGCGACACTTTCCTAATTGCT-3'